The following is an entry in ClinVar:

NM_000944.5(PPP3CA):c.58+16C>T

Gene: PPP3CA (protein phosphatase 3 catalytic subunit alpha; minus strand). Cytogenetic location: 4q24.
Variant type: single nucleotide variant.
Coding change: c.58+16C>T on transcript NM_000944.5 (MANE Select); 16 bases into the intron after coding-DNA position 58, C replaced by T.
Molecular consequence: intron variant.
Genome position (GRCh38, 1-based): chr4:101,346,723, G>A on the plus strand (C>T on the coding strand, the complement: PPP3CA is on the minus strand). VCF-style: chr4-101346723-G-A. GRCh37 (hg19) VCF-style: chr4-102267880-G-A.
Other names: c.58+16C>T (NM_001130692.2, NM_001130691.2).
Identifiers: ClinVar variation 1668950 (VCV001668950.10), dbSNP rs1361102672, ClinGen allele CA553696173.

ClinVar aggregate classification (germline): Likely benign. Review status: criteria provided, multiple submitters, no conflicts (2 of 4 stars). 3 submissions from 3 submitters: Likely benign (3). Last evaluated 2025-07-23.

Allele frequency attached by ClinVar (database versions not stated): gnomAD 0.00001.
gnomAD v4.1: 5 of 1,608,174 alleles (0.00031%); highest among the groups gnomAD compares: African/African-American, 0.0027%; no homozygotes.

Submissions (3):

Women's Health and Genetics/Laboratory Corporation of America, LabCorp
Classification: Likely benign. Last evaluated: 2025-07-23. Review status: criteria provided, single submitter. Criteria: LabCorp Variant Classification Summary - May 2015. Collection method: clinical testing. Allele origin: germline.
Comment: Variant summary: PPP3CA c.58+16C>T alters a non-conserved nucleotide located at a position not widely known to affect splicing. Consensus agreement among computation tools predict no significant impact on normal splicing. However, these predictions have yet to be confirmed by functional studies. The variant allele was found at a frequency of 3.1e-06 in 1601188 control chromosomes. The available data on variant occurrences in the general population are insufficient to allow any conclusion about variant significance. To our knowledge, no occurrence of c.58+16C>T in individuals affected with Epileptic Encephalopathy, Infantile Or Early Childhood, 1 and no experimental evidence demonstrating its impact on protein function have been reported. ClinVar contains an entry for this variant (Variation ID: 1668950). Based on the evidence outlined above, the variant was classified as likely benign.

Labcorp Genetics (formerly Invitae), Labcorp
Classification: Likely benign. Last evaluated: 2024-08-20. Review status: criteria provided, single submitter. Criteria: Invitae Variant Classification Sherloc (09022015). Collection method: clinical testing. Allele origin: germline.

Blueprint Genetics
Classification: Likely benign. Last evaluated: 2022-12-29. Review status: criteria provided, single submitter. Criteria: ACMG Guidelines, 2015. Collection method: clinical testing. Allele origin: germline.